The following is an entry in ClinVar:

NM_001256317.3(TMPRSS3):c.425G>C (p.Cys142Ser)

Gene: TMPRSS3 (transmembrane serine protease 3; minus strand). Cytogenetic location: 21q22.3.
Variant type: single nucleotide variant.
Coding change: c.425G>C on transcript NM_001256317.3 (MANE Select); coding-DNA position 425, G replaced by C.
Protein change: p.Cys142Ser; replaces cysteine 142 with serine.
Molecular consequence: missense variant.
Genome position (GRCh38, 1-based): chr21:42,388,424, C>G on the plus strand (G>C on the coding strand, the complement: TMPRSS3 is on the minus strand). VCF-style: chr21-42388424-C-G. GRCh37 (hg19) VCF-style: chr21-43808533-C-G.
Other names: c.425G>C, p.Cys142Ser (NM_024022.4, NM_032405.2); c.44G>C, p.Cys15Ser (NM_032404.3); short protein forms C142S, C15S.
Identifiers: ClinVar variation 3601938 (VCV003601938.1).

ClinVar aggregate classification (germline): Likely pathogenic (1 of 4 stars; one submission).

Conditions:
Autosomal recessive nonsyndromic hearing loss 8 (DFNB8). Also called: NEUROSENSORY NONSYNDROMIC RECESSIVE DEAFNESS 8; Deafness, autosomal recessive 10. Identifiers: Orphanet 90636, MedGen C1832827, MONDO:0010987, OMIM 601072.

Submission:

Institute of Rare Diseases, West China Hospital, Sichuan University
Classification: Likely pathogenic for Autosomal recessive nonsyndromic hearing loss 8. Last evaluated: 2025-01-09. Review status: criteria provided, single submitter. Criteria: ClinGen HL ACMG Specifications v1. Collection method: research. Allele origin: germline. Affected: yes.
Comment: PM3_Strong;PM2_Supporting;PP3